The following is an entry in ClinVar:

NM_022552.5(DNMT3A):c.2458G>T (p.Glu820Ter)

Gene: DNMT3A (DNA methyltransferase 3 alpha; minus strand). Cytogenetic location: 2p23.3.
Variant type: single nucleotide variant.
Coding change: c.2458G>T on transcript NM_022552.5 (MANE Select); coding-DNA position 2458, G replaced by T.
Protein change: p.Glu820Ter; replaces glutamic acid 820 with a stop codon.
Molecular consequence: nonsense. On other transcripts: non-coding transcript variant (1).
Genome position (GRCh38, 1-based): chr2:25,236,956, C>A on the plus strand (G>T on the coding strand, the complement: DNMT3A is on the minus strand). VCF-style: chr2-25236956-C-A. GRCh37 (hg19) VCF-style: chr2-25459825-C-A.
Other names: c.2002G>T, p.Glu668Ter (NM_001320893.1); c.1789G>T, p.Glu597Ter (NM_001375819.1); c.1891G>T, p.Glu631Ter (NM_153759.3); c.2458G>T, p.Glu820Ter (NM_175629.2); short protein forms E597*, E668*, E820*, E631*.
Identifiers: ClinVar variation 4771080 (VCV004771080.1).
Genomic context (GRCh38, chr2:25,236,956, plus strand): 5'-TCCCTGCCCCCCAGCAGAGGTTCTAGACGCTGGAGCTGACCTTGGCTATCCTGCCATGCT[C>A]CAGACACTCCTGCAGCTCCAGCTTATCATTCACAGTGGATGCCAACGGCCTAGGAGGCAG-3'

ClinVar aggregate classification (germline): Pathogenic (1 of 4 stars; one submission).

Conditions:
Tatton-Brown-Rahman overgrowth syndrome. Also called: Tatton-Brown-Rahman syndrome; Tall stature-intellectual disability-facial dysmorphism syndrome. Identifiers: Orphanet 404443, MedGen C4014545, MONDO:0014382, OMIM 615879.

gnomAD v4.1: 1 of 1,613,550 alleles (0.000062%); highest among the groups gnomAD compares: Non-Finnish European, 0.000085%; no homozygotes.

Submission:

Labcorp Genetics (formerly Invitae), Labcorp
Classification: Pathogenic for Tatton-Brown-Rahman overgrowth syndrome. Last evaluated: 2025-07-22. Review status: criteria provided, single submitter. Criteria: Invitae Variant Classification Sherloc (09022015). Collection method: clinical testing. Allele origin: germline.
Comment: This sequence change creates a premature translational stop signal (p.Glu820*) in the DNMT3A gene. It is expected to result in an absent or disrupted protein product. Loss-of-function variants in DNMT3A are known to be pathogenic (PMID: 24614070). The frequency data for this variant in the population databases is considered unreliable, as metrics indicate poor data quality at this position in the gnomAD database. This variant has not been reported in the literature in individuals affected with DNMT3A-related conditions. Algorithms developed to predict the effect of sequence changes on RNA splicing suggest that this variant may disrupt the consensus splice site. For these reasons, this variant has been classified as Pathogenic.

Literature cited by the submitters: PubMed 24614070.